The following is an entry in ClinVar:

ClinVar aggregate classification (germline): Uncertain significance (1 of 4 stars; one submission).

Submission:

Labcorp Genetics (formerly Invitae), Labcorp
Classification: Uncertain significance. Last evaluated: 2024-04-29. Review status: criteria provided, single submitter. Criteria: Invitae Variant Classification Sherloc (09022015). Collection method: clinical testing. Allele origin: germline.
Comment: This sequence change replaces phenylalanine, which is neutral and non-polar, with tyrosine, which is neutral and polar, at codon 302 of the CACNA1D protein (p.Phe302Tyr). This variant is not present in population databases (gnomAD no frequency). This variant has not been reported in the literature in individuals affected with CACNA1D-related conditions. ClinVar contains an entry for this variant (Variation ID: 1365799). Advanced modeling of protein sequence and biophysical properties (such as structural, functional, and spatial information, amino acid conservation, physicochemical variation, residue mobility, and thermodynamic stability) performed at Invitae indicates that this missense variant is not expected to disrupt CACNA1D protein function with a negative predictive value of 80%. In summary, the available evidence is currently insufficient to determine the role of this variant in disease. Therefore, it has been classified as a Variant of Uncertain Significance.

NM_001128840.3(CACNA1D):c.905T>A (p.Phe302Tyr)

Gene: CACNA1D (calcium voltage-gated channel subunit alpha1 D; plus strand). Cytogenetic location: 3p21.1.
Variant type: single nucleotide variant.
Coding change: c.905T>A on transcript NM_001128840.3 (MANE Select); coding-DNA position 905, T replaced by A.
Protein change: p.Phe302Tyr; replaces phenylalanine 302 with tyrosine.
Molecular consequence: missense variant.
Genome position (GRCh38, 1-based): chr3:53,665,798, T>A. VCF-style: chr3-53665798-T-A. GRCh37 (hg19) VCF-style: chr3-53699825-T-A.
Other names: c.905T>A, p.Phe302Tyr (NM_000720.4, NM_001128839.3); short protein forms F302Y.
Identifiers: ClinVar variation 1365799 (VCV001365799.8), dbSNP rs2108363028, ClinGen allele CA353383243.
Genomic context (GRCh38, chr3:53,665,798, plus strand): 5'-TCATAATCTATGCTATTATAGGATTGGAACTTTTTATTGGAAAAATGCACAAAACATGTT[T>A]TTTTGCTGACTCAGGTGAGTAATGAGAATTGTAGCTAACTTAACTTTAAAATTTTTTTGT-3'
Protein context (NP_001122312.1, residues 292-312): LFIGKMHKTC[Phe302Tyr]FADSDIVAEE